The following is an entry in ClinVar:

NM_005138.3(SCO2):c.764G>T (p.Arg255Leu)

Genes: NCAPH2 (non-SMC condensin II complex subunit H2; plus strand), SCO2 (synthesis of cytochrome C oxidase 2; minus strand). Cytogenetic location: 22q13.33.
Variant type: single nucleotide variant.
Coding change: c.764G>T on transcript NM_005138.3 (MANE Select); coding-DNA position 764, G replaced by T.
Protein change: p.Arg255Leu; replaces arginine 255 with leucine.
Molecular consequence: missense variant. On other transcripts: 3 prime UTR variant (2).
Genome position (GRCh38, 1-based): chr22:50,523,648, C>A on the plus strand (G>T on the coding strand, the complement: SCO2 is on the minus strand). VCF-style: chr22-50523648-C-A. GRCh37 (hg19) VCF-style: chr22-50962077-C-A.
Other names: c.*273C>A (NM_001185011.2, NM_152299.4); c.764G>T, p.Arg255Leu (NM_001169109.2, NM_001169110.1, NM_001169111.2); c.764G>T (NM_001169109.1); short protein forms R255L.
Identifiers: ClinVar variation 1163688 (VCV001163688.8), dbSNP rs368908383, ClinGen allele CA10321112.
Genomic context (GRCh38, chr22:50,523,648, plus strand): 5'-GATGGGGCCCAGACTGCAGTGGCTCAAGACAGGACACTGCGGAAAGCCGCCATGTGCCGC[C>A]GCACACTGTCTGAGATCTGCTCAGCCGATCTGCTCCGGCCGTAGTAATCCGTGAAGAGGC-3'
Protein context (NP_005129.2, residues 245-265): RSAEQISDSV[Arg255Leu]RHMAAFRSVL

ClinVar aggregate classification (germline): Uncertain significance. Review status: criteria provided, multiple submitters, no conflicts (2 of 4 stars). 3 submissions from 3 submitters: Uncertain significance (3). Last evaluated 2022-03-01.

Conditions:
Cardioencephalomyopathy, fatal infantile, due to cytochrome c oxidase deficiency 1 (MC4DN2). Also called: MITOCHONDRIAL COMPLEX IV DEFICIENCY, NUCLEAR TYPE 2; CYTOCHROME c OXIDASE DEFICIENCY, FATAL INFANTILE, WITH CARDIOENCEPHALOMYOPATHY. Identifiers: Orphanet 1561, MedGen C5399977, MONDO:0011451, OMIM 604377.

Allele frequency attached by ClinVar (database versions not stated): ESP Exome Variant Server 0.00008.
gnomAD v4.1: 69 of 1,613,804 alleles (0.0043%); highest among the groups gnomAD compares: Non-Finnish European, 0.0055%; no homozygotes.

Submissions (3):

Labcorp Genetics (formerly Invitae), Labcorp
Classification: Uncertain significance. Last evaluated: 2022-03-01. Review status: criteria provided, single submitter. Criteria: Invitae Variant Classification Sherloc (09022015). Collection method: clinical testing. Allele origin: germline.
Comment: This sequence change replaces arginine, which is basic and polar, with leucine, which is neutral and non-polar, at codon 255 of the SCO2 protein (p.Arg255Leu). This variant is present in population databases (rs368908383, gnomAD 0.008%). This variant has not been reported in the literature in individuals affected with SCO2-related conditions. ClinVar contains an entry for this variant (Variation ID: 1163688). Algorithms developed to predict the effect of missense changes on protein structure and function (SIFT, PolyPhen-2, Align-GVGD) all suggest that this variant is likely to be tolerated. In summary, the available evidence is currently insufficient to determine the role of this variant in disease. Therefore, it has been classified as a Variant of Uncertain Significance.

Victorian Clinical Genetics Services, Murdoch Childrens Research Institute
Classification: Uncertain significance for Cardioencephalomyopathy, fatal infantile, due to cytochrome c oxidase deficiency 1. Last evaluated: 2020-05-21. Review status: criteria provided, single submitter. Criteria: ACMG Guidelines, 2015. Collection method: clinical testing. Allele origin: germline.
Comment: Based on the classification scheme VCGS_Germline_v1.1.1, this variant is classified as VUS – 3B. Following criteria are met: 0102 - Loss-of-function is a known mechanism of disease for this gene. (N) 0108 - This gene is known to be associated with both recessive and dominant disease. There is no clear genotype-phenotype correlation, as the same variants have been reported for both recessive and dominant disease (OMIM, PMID: 23643385). Disease association to myopia has been disputed (PMID: 26427993). (N) 0200 - Variant is predicted to result in a missense amino acid change from arginine to leucine (exon 2). (N) 0251 - Variant is heterozygous. (N) 0304 - Variant is present in gnomAD <0.01 for a recessive condition (8 heterozygotes, 0 homozygotes). (P) 0309 - An alternative amino acid change at the same position has been observed in gnomAD (13 heterozygotes, 0 homozygotes). (N) 0502 - Missense variant with conflicting in silico predictions and/or uninformative conservation. (N) 0604 - Variant is not located in an established domain, motif, hotspot or informative constraint region. (N) 0708 - Comparable missense variants have conflicting previous evidence for pathogenicity. Changes to glutamine and tryptophan have been reported as likely benign (ClinVar) and in a single family with cerebellar ataxia and progressive peripheral axonal neuropathy (PMID: 31844624), respectively. (N) 0807 - Variant has not previously been reported in a clinical context. (N) 0905 - No segregation evidence has been identified for this variant. (N) 1007 - No published functional evidence has been identified for this variant. (N) 1208 - Inheritance information for this variant is not currently available. (N) Legend: (P) - Pathogenic, (N) - Neutral, (B) - Benign

Mayo Clinic Laboratories, Mayo Clinic
Classification: Uncertain significance. Last evaluated: 2020-04-08. Review status: criteria provided, single submitter. Criteria: ACMG Guidelines, 2015. Collection method: clinical testing. Allele origin: germline. Observed: 1 variant allele.

Literature cited by the submitters: PubMed 23643385 (cited by Victorian Clinical Genetics Services, Murdoch Childrens Research Institute); PubMed 26427993 (cited by Victorian Clinical Genetics Services, Murdoch Childrens Research Institute); PubMed 31844624 (cited by Victorian Clinical Genetics Services, Murdoch Childrens Research Institute).